The following is an entry in ClinVar:

NM_138694.4(PKHD1):c.6901G>A (p.Val2301Met)

Gene: PKHD1 (PKHD1 ciliary IPT domain containing fibrocystin/polyductin; minus strand). Cytogenetic location: 6p12.2.
Variant type: single nucleotide variant.
Coding change: c.6901G>A on transcript NM_138694.4 (MANE Select); coding-DNA position 6901, G replaced by A.
Protein change: p.Val2301Met; replaces valine 2301 with methionine.
Molecular consequence: missense variant.
Genome position (GRCh38, 1-based): chr6:51,903,692, C>T on the plus strand (G>A on the coding strand, the complement: PKHD1 is on the minus strand). VCF-style: chr6-51903692-C-T. GRCh37 (hg19) VCF-style: chr6-51768490-C-T.
Other names: c.6901G>A, p.Val2301Met (NM_170724.3); short protein forms V2301M.
Identifiers: ClinVar variation 3365100 (VCV003365100.1).
Genomic context (GRCh38, chr6:51,903,692, plus strand): 5'-CAGATGGTGTCAACATTTCAGGATTGGAGAGTCCCTCGGCACCAGAAACCTGGATGATCA[C>T]GTTGTTTCTTATTATATTTCCATGTCCTGACCAGTCTAATGTTTCAACAAATCCAGGGGA-3'
Protein context (NP_619639.3, residues 2291-2311): SGHGNIIRNN[Val2301Met]IIQVSGAEGL

ClinVar aggregate classification (germline): Uncertain significance (1 of 4 stars; one submission).

gnomAD v4.1: 17 of 1,610,994 alleles (0.0011%); highest among the groups gnomAD compares: Admixed American, 0.005%; no homozygotes.

Submission:

GeneDx
Classification: Uncertain significance. Last evaluated: 2023-12-06. Review status: criteria provided, single submitter. Criteria: GeneDx Variant Classification Process June 2021. Collection method: clinical testing. Allele origin: germline. Affected: yes.
Comment: In silico analysis supports that this missense variant does not alter protein structure/function; Has not been previously published as pathogenic or benign to our knowledge